The following is an entry in ClinVar:

ClinVar aggregate classification (germline): Benign. Review status: criteria provided, multiple submitters, no conflicts (2 of 4 stars). 2 submissions from 2 submitters: Benign (2). Last evaluated 2025-12-17.

Allele frequency attached by ClinVar (database versions not stated): ESP Exome Variant Server 0.00023; gnomAD 0.00031 and 0.00050; gnomAD exomes 0.00058 and 0.00085; ExAC 0.00162; 1000 Genomes Project 30x 0.00187; 1000 Genomes Project 0.00220.
gnomAD v4.1: 900 of 1,584,264 alleles (0.057%); highest among the groups gnomAD compares: East Asian, 1.5%; 10 homozygotes.

Submissions (2):

Labcorp Genetics (formerly Invitae), Labcorp
Classification: Benign. Last evaluated: 2025-12-17. Review status: criteria provided, single submitter. Criteria: Invitae Variant Classification Sherloc (09022015). Collection method: clinical testing. Allele origin: germline.

Mayo Clinic Laboratories, Mayo Clinic
Classification: Benign. Last evaluated: 2025-06-02. Review status: criteria provided, single submitter. Criteria: ACMG Guidelines, 2015. Collection method: clinical testing. Allele origin: germline. Observed: 1 variant allele.
Comment: BA1

NM_005186.4(CAPN1):c.1672-4C>T

Gene: CAPN1 (calpain 1; plus strand). Cytogenetic location: 11q13.1.
Variant type: single nucleotide variant.
Coding change: c.1672-4C>T on transcript NM_005186.4 (MANE Select); 4 bases into the intron before coding-DNA position 1672, C replaced by T.
Molecular consequence: intron variant.
Genome position (GRCh38, 1-based): chr11:65,208,201, C>T. VCF-style: chr11-65208201-C-T. GRCh37 (hg19) VCF-style: chr11-64975672-C-T.
Other names: p.?; c.1672-4C>T (NM_001198868.2, NM_001198869.2).
Identifiers: ClinVar variation 1604415 (VCV001604415.9), dbSNP rs138912529, ClinGen allele CA6093506.